The following is an entry in ClinVar:

ClinVar aggregate classification (germline): Likely pathogenic. Review status: criteria provided, single submitter (1 of 4 stars). 2 submissions from 2 submitters: Likely pathogenic (1). 1 of the submissions does not count toward it. Last evaluated 2023-07-14.

Conditions:
Hyperammonemia, type III (NAGSD). Also called: Hyperammonemia due to N-acetylglutamate synthase deficiency. Identifiers: Orphanet 927, MedGen C0268543, MONDO:0009377, OMIM 237310.

Submissions (2):

Muhas Genetics Laboratory, Muhimbili University of Health and Allied Sciences
Classification: Likely pathogenic for Hyperammonemia, type III. Last evaluated: 2023-07-14. Review status: criteria provided, single submitter. Criteria: ACMG Guidelines, 2015. Collection method: clinical testing. Allele origin: germline. Inheritance: Autosomal recessive inheritance. Affected: yes. Observed: 1 homozygote.
Comment: The c.1306_1307insT (p.Thr439fs*52) variant in the NAGS gene is a single nucleotide insertion resulting in a frameshift and a premature stop codon 52 amino acids downstream. This variant occurs in exon 6 of 7 and is expected to trigger nonsense-mediated decay, resulting in loss of function (LOF), a well-established disease mechanism for NAGS deficiency. The variant is absent from population databases including gnomAD (PM2). Based on ACMG 2015 criteria, we classify this variant as Likely Pathogenic, applying the following criteria: PVS1 (null variant in gene where LOF is a known mechanism), PM2 (absent from population databases).

OMIM
Classification: Pathogenic for N-ACETYLGLUTAMATE SYNTHASE DEFICIENCY. Last evaluated: 2003-06-01. Review status: no assertion criteria provided. Collection method: literature only. Allele origin: germline. Not counted in ClinVar's aggregate classification.

Literature cited by the submitters: PubMed 12754705 (cited by Muhas Genetics Laboratory, Muhimbili University of Health and Allied Sciences and OMIM); PubMed 17421020 (cited by Muhas Genetics Laboratory, Muhimbili University of Health and Allied Sciences); PubMed 3139931 (cited by Muhas Genetics Laboratory, Muhimbili University of Health and Allied Sciences).

NM_153006.3(NAGS):c.1307dup (p.Thr439fs)

Gene: NAGS (N-acetylglutamate synthase; plus strand). Cytogenetic location: 17q21.31.
Variant type: Duplication.
Coding change: c.1307dup on transcript NM_153006.3 (MANE Select); coding-DNA position 1307, one base duplicated (T; older notation c.1307dupT).
Protein change: p.Thr439fs; shifts the reading frame from threonine 439.
Molecular consequence: frameshift variant.
Genome position (GRCh38, 1-based): chr17:44,007,629, T duplicated. VCF-style (leftmost placement, unchanged base first): chr17-44007628-C-CT. GRCh37 (hg19) VCF-style: chr17-42084996-C-CT.
Other names: p.Thr439fs*52; c.1306_1307insT (NM_153006.3); short protein forms T439fs.
Identifiers: ClinVar variation 2430 (VCV000002430.1), dbSNP rs730880303, ClinGen allele CA115546.